The following is an entry in ClinVar:

NM_001184880.2(PCDH19):c.362A>C (p.Asp121Ala)

Gene: PCDH19 (protocadherin 19; minus strand). Cytogenetic location: Xq22.1.
Variant type: single nucleotide variant.
Coding change: c.362A>C on transcript NM_001184880.2 (MANE Select); coding-DNA position 362, A replaced by C.
Protein change: p.Asp121Ala; replaces aspartic acid 121 with alanine.
Molecular consequence: missense variant.
Genome position (GRCh38, 1-based): chrX:100,408,236, T>G on the plus strand (A>C on the coding strand, the complement: PCDH19 is on the minus strand). VCF-style: chrX-100408236-T-G. GRCh37 (hg19) VCF-style: chrX-99663234-T-G.
Other names: c.362A>C, p.Asp121Ala (NM_001105243.2, NM_020766.3); short protein forms D121A.
Identifiers: ClinVar variation 960029 (VCV000960029.6), dbSNP rs1928463633, ClinGen allele CA414010327.
Genomic context (GRCh38, chrX:100,408,236, plus strand): 5'-GCCTCCGAGATCTCCAGCTCGATCTGTGCTGCCGGGAAACTGGGCGCATTGTCGTTCAGG[T>G]CCTTGATCTCCACCTTTATCACGCAGATTTCCATTGAGCTGGACATGACCTCGAGCGAGA-3'
Protein context (NP_001171809.1, residues 111-131): EICVIKVEIK[Asp121Ala]LNDNAPSFPA

ClinVar aggregate classification (germline): Pathogenic (1 of 4 stars; one submission).

Conditions:
Developmental and epileptic encephalopathy, 9 (DEE9). Also called: Early infantile epileptic encephalopathy 9; EPILEPSY, FEMALE-RESTRICTED, WITH MENTAL RETARDATION; PCDH19-Related X-Linked Female-Limited Epilepsy with Mental Retardation; JUBERG-HELLMAN SYNDROME. Identifiers: Orphanet 101039, Orphanet 2076, MedGen C1848137, MONDO:0010246, OMIM 300088. Disease mechanism: loss of function.

Submission:

Labcorp Genetics (formerly Invitae), Labcorp
Classification: Pathogenic for Developmental and epileptic encephalopathy, 9. Last evaluated: 2026-01-05. Review status: criteria provided, single submitter. Criteria: Invitae Variant Classification Sherloc (09022015). Collection method: clinical testing. Allele origin: germline.
Comment: This sequence change replaces aspartic acid, which is acidic and polar, with alanine, which is neutral and non-polar, at codon 121 of the PCDH19 protein (p.Asp121Ala). This variant is not present in population databases (gnomAD no frequency). This missense change has been observed in individual(s) with clinical features of PCDH19-related conditions (internal data). In at least one individual the variant was observed to be de novo. ClinVar contains an entry for this variant (Variation ID: 960029). Invitae Evidence Modeling of protein sequence and biophysical properties (such as structural, functional, and spatial information, amino acid conservation, physicochemical variation, residue mobility, and thermodynamic stability) indicates that this missense variant is expected to disrupt PCDH19 protein function with a positive predictive value of 95%. This variant disrupts the p.Asp121 amino acid residue in PCDH19. Other variant(s) that disrupt this residue have been observed in individuals with PCDH19-related conditions (PMID: 19214208, 29377098), which suggests that this may be a clinically significant amino acid residue. For these reasons, this variant has been classified as Pathogenic.

Literature cited by the submitters: PubMed 19214208; PubMed 29377098.